The following is an entry in ClinVar:

ClinVar aggregate classification (germline): Uncertain significance (1 of 4 stars; one submission).

Submission:

Labcorp Genetics (formerly Invitae), Labcorp
Classification: Uncertain significance. Last evaluated: 2025-08-28. Review status: criteria provided, single submitter. Criteria: Invitae Variant Classification Sherloc (09022015). Collection method: clinical testing. Allele origin: germline.
Comment: This sequence change replaces serine, which is neutral and polar, with threonine, which is neutral and polar, at codon 39 of the RASA2 protein (p.Ser39Thr). This variant is not present in population databases (gnomAD no frequency). This variant has not been reported in the literature in individuals affected with RASA2-related conditions. An algorithm developed to predict the effect of missense changes on protein structure and function (PolyPhen-2) suggests that this variant is likely to be tolerated. In summary, the available evidence is currently insufficient to determine the role of this variant in disease. Therefore, it has been classified as a Variant of Uncertain Significance.

NM_006506.5(RASA2):c.116G>C (p.Ser39Thr)

Genes: RASA2 (RAS p21 protein activator 2; plus strand), LOC129937686 (ATAC-STARR-seq lymphoblastoid silent region 14777; plus strand). Cytogenetic location: 3q23.
Variant type: single nucleotide variant.
Coding change: c.116G>C on transcript NM_006506.5 (MANE Select); coding-DNA position 116, G replaced by C.
Protein change: p.Ser39Thr; replaces serine 39 with threonine.
Molecular consequence: missense variant.
Genome position (GRCh38, 1-based): chr3:141,487,199, G>C. VCF-style: chr3-141487199-G-C. GRCh37 (hg19) VCF-style: chr3-141206041-G-C.
Other names: c.116G>C, p.Ser39Thr (NM_001303245.3, NM_001303246.3); short protein forms S39T.
Identifiers: ClinVar variation 4805628 (VCV004805628.1).